The following is an entry in ClinVar:

NM_007348.4(ATF6):c.1548G>C (p.Gln516His)

Gene: ATF6 (activating transcription factor 6; plus strand). Cytogenetic location: 1q23.3.
Variant type: single nucleotide variant.
Coding change: c.1548G>C on transcript NM_007348.4 (MANE Select); coding-DNA position 1548, G replaced by C.
Protein change: p.Gln516His; replaces glutamine 516 with histidine.
Molecular consequence: missense variant.
Genome position (GRCh38, 1-based): chr1:161,860,221, G>C. VCF-style: chr1-161860221-G-C. GRCh37 (hg19) VCF-style: chr1-161830011-G-C.
Other names: c.1548G>C, p.Gln516His (NM_001410890.1); short protein forms Q516H.
Identifiers: ClinVar variation 2059235 (VCV002059235.1), dbSNP rs1258869549, ClinGen allele CA343382550.

ClinVar aggregate classification (germline): Uncertain significance (1 of 4 stars; one submission).

Allele frequency attached by ClinVar (database versions not stated): gnomAD exomes below 0.00001; TOPMed 0.00001.
gnomAD v4.1: 3 of 1,590,534 alleles (0.00019%); highest among the groups gnomAD compares: Non-Finnish European, 0.000086%; no homozygotes.

Submission:

Labcorp Genetics (formerly Invitae), Labcorp
Classification: Uncertain significance. Last evaluated: 2022-08-22. Review status: criteria provided, single submitter. Criteria: Invitae Variant Classification Sherloc (09022015). Collection method: clinical testing. Allele origin: germline.
Comment: This sequence change replaces glutamine, which is neutral and polar, with histidine, which is basic and polar, at codon 516 of the ATF6 protein (p.Gln516His). This variant is not present in population databases (gnomAD no frequency). This variant has not been reported in the literature in individuals affected with ATF6-related conditions. Algorithms developed to predict the effect of missense changes on protein structure and function output the following: SIFT: "Tolerated"; PolyPhen-2: "Benign"; Align-GVGD: "Class C0". The histidine amino acid residue is found in multiple mammalian species, which suggests that this missense change does not adversely affect protein function. In summary, the available evidence is currently insufficient to determine the role of this variant in disease. Therefore, it has been classified as a Variant of Uncertain Significance.